The following is an entry in ClinVar:

ClinVar aggregate classification (germline): Uncertain significance (1 of 4 stars; one submission).

Conditions:
RAI1-related disorder. Also called: RAI1-related condition.

gnomAD v4.1: 2 of 1,613,440 alleles (0.00012%); highest among the groups gnomAD compares: Non-Finnish European, 0.00017%; no homozygotes.

Submission:

PreventionGenetics, part of Exact Sciences
Classification: Uncertain significance for RAI1-related condition. Last evaluated: 2026-08-04. Review status: criteria provided, single submitter. Criteria: ACMG Guidelines, 2015. Collection method: clinical testing. Allele origin: germline.
Comment: The RAI1 c.3794G>T variant is predicted to result in the amino acid substitution p.Gly1265Val. To our knowledge, this variant has not been reported in the literature or in a large population database (gnomAD), indicating this variant is rare. At this time, the clinical significance of this variant is uncertain due to the absence of conclusive functional and genetic evidence.

NM_030665.4(RAI1):c.3794G>T (p.Gly1265Val)

Gene: RAI1 (retinoic acid induced 1; plus strand). Cytogenetic location: 17p11.2.
Variant type: single nucleotide variant.
Coding change: c.3794G>T on transcript NM_030665.4 (MANE Select); coding-DNA position 3794, G replaced by T.
Protein change: p.Gly1265Val; replaces glycine 1265 with valine.
Molecular consequence: missense variant.
Genome position (GRCh38, 1-based): chr17:17,796,742, G>T. VCF-style: chr17-17796742-G-T. GRCh37 (hg19) VCF-style: chr17-17700056-G-T.
Other names: short protein forms G1265V.
Identifiers: ClinVar variation 4995353 (VCV004995353.1).